The following is an entry in ClinVar:

NM_007294.4(BRCA1):c.5215G>C (p.Asp1739His)

Gene: BRCA1 (BRCA1 DNA repair associated; minus strand). Cytogenetic location: 17q21.31.
Variant type: single nucleotide variant.
Coding change: c.5215G>C on transcript NM_007294.4 (MANE Select); coding-DNA position 5215, G replaced by C.
Protein change: p.Asp1739His; replaces aspartic acid 1739 with histidine.
Molecular consequence: missense variant. On other transcripts: non-coding transcript variant (1).
Genome position (GRCh38, 1-based): chr17:43,057,114, C>G on the plus strand (G>C on the coding strand, the complement: BRCA1 is on the minus strand). VCF-style: chr17-43057114-C-G. GRCh37 (hg19) VCF-style: chr17-41209131-C-G.
Other names: c.1693G>C, p.Asp565His (NM_001408485.1, NM_001408489.1, NM_001408490.1 and 5 more transcripts); c.1690G>C, p.Asp564His (NM_001408492.1, NM_001408493.1); c.1639G>C, p.Asp547His (NM_001408503.1, NM_001408504.1, NM_001408502.1); c.1636G>C, p.Asp546His (NM_001408505.1); c.1579G>C, p.Asp527His (NM_001408506.1); c.1576G>C, p.Asp526His (NM_001408507.1); c.1567G>C, p.Asp523His (NM_001408508.1); c.1564G>C, p.Asp522His (NM_001408509.1); and 72 more; short protein forms D1739H, D1760H, D635H, D1692H, D1442H, D1570H, D1626H, D1667H.
Identifiers: ClinVar variation 481487 (VCV000481487.9), dbSNP rs80357283, ClinGen allele CA10591110.

ClinVar aggregate classification (germline): Likely pathogenic (1 of 4 stars; one submission).

Conditions:
Hereditary cancer-predisposing syndrome. Also called: Tumor predisposition; Hereditary Cancer Syndrome; Hereditary neoplastic syndrome; Neoplastic Syndromes, Hereditary. Identifiers: Orphanet 140162, MedGen C0027672, MeSH D009386, MONDO:0015356.

Submissions (2):

Ambry Genetics
Classification: Likely pathogenic for Hereditary cancer-predisposing syndrome. Last evaluated: 2024-06-18. Review status: criteria provided, single submitter. Criteria: Ambry Variant Classification Scheme 2023. Collection method: clinical testing. Allele origin: germline.
Comment: The p.D1739H variant (also known as c.5215G>C), located in coding exon 18 of the BRCA1 gene, results from a G to C substitution at nucleotide position 5215. The aspartic acid at codon 1739 is replaced by histidine, an amino acid with similar properties. One functional study found that this nucleotide substitution is non-functional in a high-throughput, genome editing, haploid cell survival assay (Findlay GM et al. Nature, 2018 10;562:217-222). This alteration has been identified in 1/805 Korean patients with epithelial ovarian, tubal, and primary peritoneal cancers (Ha HI et al. J Gynecol Oncol, 2020 Nov;31:e83). Another variant at the same codon, p.D1739E (c.5217T>G), has been reported as non-functional in multiple functional studies (Lee MS et al. Cancer Res, 2010 Jun;70:4880-90; Woods NT et al. NPJ Genom Med, 2016 Mar;1:; Findlay GM et al. Nature, 2018 10;562:217-222; Fernandes VC et al. J Biol Chem, 2019 04;294:5980-5992). This amino acid position is highly conserved in available vertebrate species. In addition, this alteration is predicted to be deleterious by in silico analysis. This variant is considered to be rare based on population cohorts in the Genome Aggregation Database (gnomAD). Based on the majority of available evidence to date, this variant is likely to be pathogenic.

Brotman Baty Institute, University of Washington
No classification provided (evidence only). Condition: Breast-ovarian cancer, familial 1. Review status: no classification provided. Collection method: in vitro. Allele origin: not applicable. Functional consequence: functionally_abnormal. Not counted in ClinVar's aggregate classification.
ClinVar note: "not provided" was previously submitted as the classification for the variant. However, the classification appeared to be based only on an observation of functional data so it was converted to no classification on 2025-07-30.

Literature cited by the submitters: PubMed 30209399 (cited by Ambry Genetics); PubMed 33078592 (cited by Ambry Genetics).